The following is an entry in ClinVar:

ClinVar aggregate classification (germline): Uncertain significance. Review status: criteria provided, multiple submitters, no conflicts (2 of 4 stars). 2 submissions from 2 submitters: Uncertain significance (2). Last evaluated 2024-03-11.

Conditions:
Hereditary cancer-predisposing syndrome. Also called: Tumor predisposition; Neoplastic Syndromes, Hereditary; Hereditary Cancer Syndrome; Hereditary neoplastic syndrome. Identifiers: Orphanet 140162, MedGen C0027672, MeSH D009386, MONDO:0015356.
Tuberous sclerosis 2 (TSC2). Identifiers: Orphanet 805, MedGen C1860707, MONDO:0013199, OMIM 613254.

Submissions (2):

Ambry Genetics
Classification: Uncertain significance for Hereditary cancer-predisposing syndrome. Last evaluated: 2024-03-11. Review status: criteria provided, single submitter. Criteria: Ambry Variant Classification Scheme 2023. Collection method: clinical testing. Allele origin: germline.
Comment: The p.H522R variant (also known as c.1565A>G), located in coding exon 14 of the TSC2 gene, results from an A to G substitution at nucleotide position 1565. The histidine at codon 522 is replaced by arginine, an amino acid with highly similar properties. This amino acid position is well conserved in available vertebrate species. In addition, the in silico prediction for this alteration is inconclusive. Based on the available evidence, the clinical significance of this alteration remains unclear.

Labcorp Genetics (formerly Invitae), Labcorp
Classification: Uncertain significance for Tuberous sclerosis 2. Last evaluated: 2022-08-09. Review status: criteria provided, single submitter. Criteria: Invitae Variant Classification Sherloc (09022015). Collection method: clinical testing. Allele origin: germline.
Comment: In summary, the available evidence is currently insufficient to determine the role of this variant in disease. Therefore, it has been classified as a Variant of Uncertain Significance. Advanced modeling of protein sequence and biophysical properties (such as structural, functional, and spatial information, amino acid conservation, physicochemical variation, residue mobility, and thermodynamic stability) performed at Invitae indicates that this missense variant is not expected to disrupt TSC2 protein function. ClinVar contains an entry for this variant (Variation ID: 486677). This variant has not been reported in the literature in individuals affected with TSC2-related conditions. This variant is not present in population databases (gnomAD no frequency). This sequence change replaces histidine, which is basic and polar, with arginine, which is basic and polar, at codon 522 of the TSC2 protein (p.His522Arg).

NM_000548.5(TSC2):c.1565A>G (p.His522Arg)

Gene: TSC2 (TSC complex subunit 2; plus strand). Cytogenetic location: 16p13.3.
Variant type: single nucleotide variant.
Coding change: c.1565A>G on transcript NM_000548.5 (MANE Select); coding-DNA position 1565, A replaced by G.
Protein change: p.His522Arg; replaces histidine 522 with arginine.
Molecular consequence: missense variant.
Genome position (GRCh38, 1-based): chr16:2,064,393, A>G. VCF-style: chr16-2064393-A-G. GRCh37 (hg19) VCF-style: chr16-2114394-A-G.
Other names: c.1565A>G, p.His522Arg (NM_001077183.3, NM_001114382.3, NM_001363528.2 and 3 more transcripts); c.1454A>G, p.His485Arg (NM_001318827.2); c.1418A>G, p.His473Arg (NM_001318829.2); c.965A>G, p.His322Arg (NM_001318831.2); c.1598A>G, p.His533Arg (NM_001318832.2); short protein forms H522R, H322R, H533R, H473R, H485R.
Identifiers: ClinVar variation 486677 (VCV000486677.11), dbSNP rs397515147, ClinGen allele CA394326573.